The following is an entry in ClinVar:

NC_000001.10:g.(?_247582097)_(247611806_?)dup

Gene: NLRP3 (NLR family pyrin domain containing 3; plus strand). Cytogenetic location: 1q44.
Variant type: Duplication.
Identifiers: ClinVar variation 3247787 (VCV003247787.1).

ClinVar aggregate classification (germline): Uncertain significance (1 of 4 stars; one submission).

Conditions:
Cryopyrin associated periodic syndrome (CAPS). Identifiers: Orphanet 208650, MedGen C2316212, MONDO:0016168.

Submission:

Labcorp Genetics (formerly Invitae), Labcorp
Classification: Uncertain significance for Cryopyrin associated periodic syndrome. Last evaluated: 2023-06-14. Review status: criteria provided, single submitter. Criteria: Invitae Variant Classification Sherloc (09022015). Collection method: clinical testing. Allele origin: unknown.
Comment: In summary, the available evidence is currently insufficient to determine the role of this variant in disease. Therefore, it has been classified as a Variant of Uncertain Significance. Isolated whole-gene gain of NLRP3 have not been reported in the literature. However, larger copy number events that include this gene have been reported (PMID: 29611406). A copy number gain of the genomic region encompassing the full coding sequence of the NLRP3 gene has been identified. The boundaries of this event are unknown as they extend beyond the assayed region for this gene and therefore may encompass additional genes. As the precise location of this event is unknown, it may be in tandem or it may be located elsewhere in the genome.

Literature cited by the submitters: PubMed 29611406.